The following is an entry in ClinVar:

ClinVar aggregate classification (germline): Uncertain significance (1 of 4 stars; one submission).

Conditions:
Bloom syndrome (BLM). Also called: Bloom-Torre-Machacek syndrome. Identifiers: Orphanet 125, MedGen C0005859, MONDO:0008876, OMIM 210900.

Submission:

Labcorp Genetics (formerly Invitae), Labcorp
Classification: Uncertain significance for Bloom syndrome. Last evaluated: 2024-05-06. Review status: criteria provided, single submitter. Criteria: Invitae Variant Classification Sherloc (09022015). Collection method: clinical testing. Allele origin: germline.
Comment: This sequence change replaces serine, which is neutral and polar, with phenylalanine, which is neutral and non-polar, at codon 1106 of the BLM protein (p.Ser1106Phe). This variant is not present in population databases (gnomAD no frequency). This variant has not been reported in the literature in individuals affected with BLM-related conditions. ClinVar contains an entry for this variant (Variation ID: 1520874). Advanced modeling of protein sequence and biophysical properties (such as structural, functional, and spatial information, amino acid conservation, physicochemical variation, residue mobility, and thermodynamic stability) performed at Invitae indicates that this missense variant is not expected to disrupt BLM protein function with a negative predictive value of 80%. In summary, the available evidence is currently insufficient to determine the role of this variant in disease. Therefore, it has been classified as a Variant of Uncertain Significance.

NM_000057.4(BLM):c.3317C>T (p.Ser1106Phe)

Gene: BLM (BLM RecQ like helicase; plus strand). Cytogenetic location: 15q26.1.
Variant type: single nucleotide variant.
Coding change: c.3317C>T on transcript NM_000057.4 (MANE Select); coding-DNA position 3317, C replaced by T.
Protein change: p.Ser1106Phe; replaces serine 1106 with phenylalanine.
Molecular consequence: missense variant.
Genome position (GRCh38, 1-based): chr15:90,798,296, C>T. VCF-style: chr15-90798296-C-T. GRCh37 (hg19) VCF-style: chr15-91341526-C-T.
Other names: c.3317C>T, p.Ser1106Phe (NM_001287246.2, NM_001287247.2); c.2192C>T, p.Ser731Phe (NM_001287248.2); short protein forms S1106F, S731F.
Identifiers: ClinVar variation 1520874 (VCV001520874.8), dbSNP rs769834593, ClinGen allele CA393847324.
Genomic context (GRCh38, chr15:90,798,296, plus strand): 5'-GATTTGTTCAAGAACATAGTTCATCACAAGGAATGAGAAATATAAAACATGTAGGTCCTT[C>T]TGGAAGATTTACTATGAATATGCTGGTCGACATTTTCTTGGGTAAGTCATCTGTTTTGAA-3'
Protein context (NP_000048.1, residues 1096-1116): GMRNIKHVGP[Ser1106Phe]GRFTMNMLVD